The following is an entry in ClinVar:

ClinVar aggregate classification (germline): Uncertain significance (1 of 4 stars; one submission).

Conditions:
Acrocallosal syndrome (ACLS). Also called: HALLUX DUPLICATION, POSTAXIAL POLYDACTYLY, AND ABSENCE OF CORPUS CALLOSUM; Schinzel syndrome 1; Absence of corpus callosum with unusual facial appearance, mental deficiency, duplication of the halluces and polydactyly. Identifiers: Orphanet 36, MedGen C0796147, MONDO:0008708, OMIM 200990.

Submission:

Labcorp Genetics (formerly Invitae), Labcorp
Classification: Uncertain significance for Acrocallosal syndrome. Last evaluated: 2022-03-04. Review status: criteria provided, single submitter. Criteria: Invitae Variant Classification Sherloc (09022015). Collection method: clinical testing. Allele origin: germline.
Comment: This sequence change replaces glutamic acid, which is acidic and polar, with glutamine, which is neutral and polar, at codon 910 of the KIF7 protein (p.Glu910Gln). This variant is not present in population databases (gnomAD no frequency). This variant has not been reported in the literature in individuals affected with KIF7-related conditions. Algorithms developed to predict the effect of missense changes on protein structure and function are either unavailable or do not agree on the potential impact of this missense change (SIFT: "Deleterious"; PolyPhen-2: "Benign"; Align-GVGD: "Class C0"). In summary, the available evidence is currently insufficient to determine the role of this variant in disease. Therefore, it has been classified as a Variant of Uncertain Significance.

NM_198525.3(KIF7):c.2728G>C (p.Glu910Gln)

Gene: KIF7 (kinesin family member 7; minus strand). Cytogenetic location: 15q26.1.
Variant type: single nucleotide variant.
Coding change: c.2728G>C on transcript NM_198525.3 (MANE Select); coding-DNA position 2728, G replaced by C.
Protein change: p.Glu910Gln; replaces glutamic acid 910 with glutamine.
Molecular consequence: missense variant.
Genome position (GRCh38, 1-based): chr15:89,632,987, C>G on the plus strand (G>C on the coding strand, the complement: KIF7 is on the minus strand). VCF-style: chr15-89632987-C-G. GRCh37 (hg19) VCF-style: chr15-90176218-C-G.
Other names: short protein forms E910Q.
Identifiers: ClinVar variation 2144169 (VCV002144169.3), dbSNP rs1406527339, ClinGen allele CA393758410.